The following is an entry in ClinVar:

ClinVar aggregate classification (germline): Likely benign (1 of 4 stars; one submission).

gnomAD v4.1: 63 of 1,609,542 alleles (0.0039%); highest among the groups gnomAD compares: Admixed American, 0.08%; no homozygotes.

Submission:

CeGaT Center for Human Genetics Tuebingen
Classification: Likely benign. Last evaluated: 2026-08-01. Review status: criteria provided, single submitter. Criteria: CeGaT Center For Human Genetics Tuebingen Variant Classification Criteria Version 2. Collection method: clinical testing. Allele origin: germline. Affected: yes. Observed: 2 variant alleles.
Comment: ABCA2: BP4, BP7

NM_001606.5(ABCA2):c.5292G>A (p.Ala1764=)

Gene: ABCA2 (ATP binding cassette subfamily A member 2; minus strand). Cytogenetic location: 9q34.3.
Variant type: single nucleotide variant.
Coding change: c.5292G>A on transcript NM_001606.5 (MANE Select); coding-DNA position 5292, G replaced by A.
Protein change: p.Ala1764=; no amino-acid change (alanine 1764 retained).
Molecular consequence: synonymous variant.
Genome position (GRCh38, 1-based): chr9:137,012,272, C>T on the plus strand (G>A on the coding strand, the complement: ABCA2 is on the minus strand). VCF-style: chr9-137012272-C-T. GRCh37 (hg19) VCF-style: chr9-139906724-C-T.
Other names: c.5289G>A, p.Ala1763= (NM_001411042.1); c.5382G>A, p.Ala1794= (NM_212533.3).
Identifiers: ClinVar variation 5038717 (VCV005038717.1).
Genomic context (GRCh38, chr9:137,012,272, plus strand): 5'-GCCCCGGCCCCAGCTCCTCCCCGCCCCGCCCCGCCCTGCCTATGTCAGCTCACCGTAAGC[C>T]GCCGGGTTGCCCTTGCTCTTGGGCAGGTTGGCACGCAGGATGGCGTTGTTGAGGCTGTTG-3'
Protein context (NP_001597.2, residues 1754-1774): ANLPKSKGNP[Ala1764=]AYGITVTNHP